The following is an entry in ClinVar:

NM_002439.5(MSH3):c.2963C>T (p.Ala988Val)

Gene: MSH3 (mutS homolog 3; plus strand). Cytogenetic location: 5q14.1.
Variant type: single nucleotide variant.
Coding change: c.2963C>T on transcript NM_002439.5 (MANE Select); coding-DNA position 2963, C replaced by T.
Protein change: p.Ala988Val; replaces alanine 988 with valine.
Molecular consequence: missense variant.
Genome position (GRCh38, 1-based): chr5:80,854,279, C>T. VCF-style: chr5-80854279-C-T. GRCh37 (hg19) VCF-style: chr5-80150098-C-T.
Other names: short protein forms A988V.
Identifiers: ClinVar variation 656686 (VCV000656686.15), dbSNP rs1580091609, ClinGen allele CA360275787.

ClinVar aggregate classification (germline): Uncertain significance. Review status: criteria provided, multiple submitters, no conflicts (2 of 4 stars). 4 submissions from 4 submitters: Uncertain significance (4). Last evaluated 2025-09-27.

Conditions:
Hereditary cancer-predisposing syndrome. Also called: Hereditary neoplastic syndrome; Tumor predisposition; Neoplastic Syndromes, Hereditary; Hereditary Cancer Syndrome. Identifiers: Orphanet 140162, MedGen C0027672, MeSH D009386, MONDO:0015356.
Endometrial carcinoma. Also called: Endometrial carcinoma, somatic. Identifiers: MedGen C0476089, MONDO:0002447, OMIM 608089, HP:0012114.
Familial adenomatous polyposis 4 (FAP4). Also called: MSH3-related attenuated familial adenomatous polyposis. Identifiers: Orphanet 480536, MedGen C4310719, MONDO:0044300, OMIM 617100.

Allele frequency attached by ClinVar (database versions not stated): gnomAD exomes below 0.00001; TOPMed below 0.00001; gnomAD 0.00001.
gnomAD v4.1: 2 of 1,613,692 alleles (0.00012%); highest among the groups gnomAD compares: Admixed American, 0.0033%; no homozygotes.

Submissions (4):

Labcorp Genetics (formerly Invitae), Labcorp
Classification: Uncertain significance. Last evaluated: 2025-09-27. Review status: criteria provided, single submitter. Criteria: Invitae Variant Classification Sherloc (09022015). Collection method: clinical testing. Allele origin: germline.
Comment: This sequence change replaces alanine, which is neutral and non-polar, with valine, which is neutral and non-polar, at codon 988 of the MSH3 protein (p.Ala988Val). This variant is not present in population databases (gnomAD no frequency). This variant has not been reported in the literature in individuals affected with MSH3-related conditions. ClinVar contains an entry for this variant (Variation ID: 656686). An algorithm developed to predict the effect of missense changes on protein structure and function (PolyPhen-2) suggests that this variant is likely to be disruptive. In summary, the available evidence is currently insufficient to determine the role of this variant in disease. Therefore, it has been classified as a Variant of Uncertain Significance.

Ambry Genetics
Classification: Uncertain significance for Hereditary cancer-predisposing syndrome. Last evaluated: 2024-11-16. Review status: criteria provided, single submitter. Criteria: Ambry Variant Classification Scheme 2023. Collection method: clinical testing. Allele origin: germline.
Comment: The p.A988V variant (also known as c.2963C>T), located in coding exon 21 of the MSH3 gene, results from a C to T substitution at nucleotide position 2963. The alanine at codon 988 is replaced by valine, an amino acid with similar properties. This amino acid position is conserved. In addition, this alteration is predicted to be deleterious by in silico analysis. Since supporting evidence is limited at this time, the clinical significance of this alteration remains unclear.

GeneDx
Classification: Uncertain significance. Last evaluated: 2024-07-29. Review status: criteria provided, single submitter. Criteria: GeneDx Variant Classification Process June 2021. Collection method: clinical testing. Allele origin: germline. Affected: yes.
Comment: Not observed at significant frequency in large population cohorts (gnomAD); In silico analysis supports that this missense variant has a deleterious effect on protein structure/function; Has not been previously published as pathogenic or benign to our knowledge

Fulgent Genetics
Classification: Uncertain significance for Endometrial carcinoma; Familial adenomatous polyposis 4. Last evaluated: 2024-05-07. Review status: criteria provided, single submitter. Criteria: ACMG Guidelines, 2015. Collection method: clinical testing. Allele origin: germline.